The following is an entry in ClinVar:

ClinVar aggregate classification (germline): Uncertain significance. Review status: criteria provided, multiple submitters, no conflicts (2 of 4 stars). 4 submissions from 4 submitters: Uncertain significance (3). 1 of the submissions does not count toward it. Last evaluated 2025-11-10.

Conditions:
beta Thalassemia (BTHAL). Also called: Cooley's anemia; Erythroblastic anemia; Mediterranean anemia. Identifiers: Orphanet 848, MedGen C0005283, MONDO:0019402. Disease mechanism: loss of function.

Allele frequency attached by ClinVar (database versions not stated): gnomAD exomes below 0.00001 and 0.00001; gnomAD 0.00002.
gnomAD v4.1: 10 of 1,613,796 alleles (0.00062%); highest among the groups gnomAD compares: East Asian, 0.0022%; no homozygotes.

Submissions (4):

Women's Health and Genetics/Laboratory Corporation of America, LabCorp
Classification: Uncertain significance. Last evaluated: 2025-11-10. Review status: criteria provided, single submitter. Criteria: LabCorp Variant Classification Summary - May 2015. Collection method: clinical testing. Allele origin: germline.
Comment: Variant summary: HBB c.151A>T (p.Thr51Ser) results in a conservative amino acid change located in the Globin domain (IPR000971) of the encoded protein sequence. Algorithms developed to predict the effect of missense changes on protein structure and function all suggest that this variant is likely to be tolerated. The variant allele was found at a frequency of 1.2e-05 in 251426 control chromosomes. The available data on variant occurrences in the general population are insufficient to allow any conclusion about variant significance. c.151A>T has been observed in a hematologically asymptomatic individual (Kleinert_2008) and among the abnormal hemoglobin variants identified in thalassemia screening cohort studies (example, Zhang_2019, Poon_2021, Tan_2021). These reports do not provide unequivocal conclusions about association of the variant with Hemoglobinopathy. These findings are suggestive of an unlikely association with disease. To our knowledge, no experimental evidence demonstrating an impact on protein function has been reported. The following publications have been ascertained in the context of this evaluation (PMID: 19429541, 21423179, 17932132, 35575165, 33279152, 33439495, 37270807, 30809867). ClinVar contains an entry for this variant (Variation ID: 495980). Based on the evidence outlined above, the variant was classified as VUS-possibly benign.

Quest Diagnostics Nichols Institute San Juan Capistrano
Classification: Uncertain significance. Last evaluated: 2023-10-03. Review status: criteria provided, single submitter. Criteria: Quest Diagnostics criteria. Collection method: clinical testing. Allele origin: unknown.

Blueprint Genetics
Classification: Uncertain significance. Last evaluated: 2021-12-22. Review status: criteria provided, single submitter. Criteria: ACMG Guidelines, 2015. Collection method: clinical testing. Allele origin: germline.

Natera, Inc.
Classification: Uncertain significance for Beta thalassemia. Last evaluated: 2020-09-16. Review status: no assertion criteria provided. Collection method: clinical testing. Allele origin: germline. Not counted in ClinVar's aggregate classification.

Literature cited by the submitters: PubMed 17932132 (cited by Women's Health and Genetics/Laboratory Corporation of America, LabCorp and Quest Diagnostics Nichols Institute San Juan Capistrano); PubMed 19429541 (cited by Women's Health and Genetics/Laboratory Corporation of America, LabCorp); PubMed 21423179 (cited by Women's Health and Genetics/Laboratory Corporation of America, LabCorp); PubMed 30809867 (cited by Women's Health and Genetics/Laboratory Corporation of America, LabCorp and Quest Diagnostics Nichols Institute San Juan Capistrano); PubMed 33439495 (cited by Women's Health and Genetics/Laboratory Corporation of America, LabCorp and Quest Diagnostics Nichols Institute San Juan Capistrano); PubMed 33279152 (cited by Women's Health and Genetics/Laboratory Corporation of America, LabCorp); PubMed 35575165 (cited by Women's Health and Genetics/Laboratory Corporation of America, LabCorp); PubMed 37270807 (cited by Women's Health and Genetics/Laboratory Corporation of America, LabCorp).

NM_000518.5(HBB):c.151A>T (p.Thr51Ser)

Genes: HBB (hemoglobin subunit beta; minus strand), LOC106099062 (HBB recombination region; plus strand), LOC107133510 (origin of replication at HBB; plus strand). Cytogenetic location: 11p15.4.
Variant type: single nucleotide variant.
Coding change: c.151A>T on transcript NM_000518.5 (MANE Select); coding-DNA position 151, A replaced by T.
Protein change: p.Thr51Ser; replaces threonine 51 with serine.
Molecular consequence: missense variant.
Genome position (GRCh38, 1-based): chr11:5,226,741, T>A on the plus strand (A>T on the coding strand, the complement: HBB is on the minus strand). VCF-style: chr11-5226741-T-A. GRCh37 (hg19) VCF-style: chr11-5247971-T-A.
Other names: short protein forms T51S.
Identifiers: ClinVar variation 495980 (VCV000495980.7), dbSNP rs63750336, ClinGen allele CA217114342.